The following is an entry in ClinVar:

NM_000138.5(FBN1):c.1328-1G>A

Gene: FBN1 (fibrillin 1; minus strand). Cytogenetic location: 15q21.1.
Variant type: single nucleotide variant.
Coding change: c.1328-1G>A on transcript NM_000138.5 (MANE Select); the canonical splice acceptor site of the intron before coding-DNA position 1328, G replaced by A.
Molecular consequence: splice acceptor variant.
Genome position (GRCh38, 1-based): chr15:48,515,528, C>T on the plus strand (G>A on the coding strand, the complement: FBN1 is on the minus strand). VCF-style: chr15-48515528-C-T. GRCh37 (hg19) VCF-style: chr15-48807725-C-T.
Other names: NC_000015.9:g.48807725C>T; c.1328-1G>A (NM_001406716.1).
Identifiers: ClinVar variation 1770046 (VCV001770046.3), dbSNP rs2505617872, ClinGen allele CA392344204.

ClinVar aggregate classification (germline): Pathogenic (1 of 4 stars; one submission).

Conditions:
Familial thoracic aortic aneurysm and aortic dissection (TAAD). Also called: Thoracic aortic aneurysms and dissections. Identifiers: Orphanet 91387, MedGen C4707243, MONDO:0019625.

Submissions (2):

Ambry Genetics
Classification: Pathogenic for Familial thoracic aortic aneurysm and aortic dissection. Last evaluated: 2018-01-25. Review status: criteria provided, single submitter. Criteria: Ambry Variant Classification Scheme 2023. Collection method: clinical testing. Allele origin: germline.
Comment: The c.1328-1G>A intronic pathogenic mutation results from a G to A substitution one nucleotide upstream from coding exon 11 of the FBN1 gene. This alteration was reported in a subject with a Type A aortic dissection and an increased arm span to height ratio (Tan L et al. Hum. Mol. Genet., 2017 Dec;26:4814-4822). In addition to the clinical data presented in the literature, alterations that disrupt the canonical splice site are expected to cause aberrant splicing, resulting in an abnormal protein or a transcript that is subject to nonsense-mediated mRNA decay. As such, this alteration is classified as a disease-causing mutation.

Dr. Peter K. Rogan Lab, Western University
No classification provided (evidence only). Condition: Thyroid cancer, nonmedullary, 1. Review status: no classification provided. Collection method: in vitro. Allele origin: not applicable. Functional consequence: retained intron. Not counted in ClinVar's aggregate classification.

Literature cited by the submitters: PubMed 28973303 (cited by Ambry Genetics).